The following is an entry in ClinVar:

ClinVar aggregate classification (germline): Uncertain significance (0 of 4 stars; one submission).

Conditions:
SOX3-related disorder. Also called: SOX3-related condition; SOX3-Related Disorders.

Submission:

PreventionGenetics, part of Exact Sciences
Classification: Uncertain significance for SOX3-related condition. Last evaluated: 2024-03-07. Review status: no assertion criteria provided. Collection method: clinical testing. Allele origin: germline.
Comment: The SOX3 c.739_744dup6 variant is predicted to result in an in-frame duplication (p.Ala247_Ala248dup). To our knowledge, this variant has not been reported in the literature or in a large population database, indicating this variant is rare. However, the quality of this data is questionable and should be interpreted with caution. At this time, the clinical significance of this variant is uncertain due to the absence of conclusive functional and genetic evidence.

NM_005634.3(SOX3):c.739GCC[4] (p.Ala248_Ser249insAlaAla)

Gene: SOX3 (SRY-box transcription factor 3; minus strand). Cytogenetic location: Xq27.1.
Variant type: Microsatellite.
Coding change: c.739GCC[4] on transcript NM_005634.3 (MANE Select); four copies in a row of the 3-base unit GCC starting at c.739; the reference has two copies in a row; two copies, 6 bases duplicated.
Protein change: p.Ala248_Ser249insAlaAla.
Molecular consequence: inframe insertion.
Genome position (GRCh38, 1-based): chrX:140,504,317-140,504,322, GGCGGC duplicated on the plus strand (GCCGCC on the coding strand, the reverse complement: SOX3 is on the minus strand). VCF-style (leftmost placement, unchanged base first): chrX-140504316-T-TGGCGGC. GRCh37 (hg19) VCF-style: chrX-139586481-T-TGGCGGC.
Identifiers: ClinVar variation 3357615 (VCV003357615.1).